The following is an entry in ClinVar:

ClinVar aggregate classification (germline): Benign. Review status: criteria provided, multiple submitters, no conflicts (2 of 4 stars). 3 submissions from 3 submitters: Benign (3). Last evaluated 2026-02-05.

Conditions:
Specific granule deficiency. Identifiers: Orphanet 169142, MedGen C0398593, MONDO:0009506.

Allele frequency attached by ClinVar (database versions not stated): 1000 Genomes Project 30x 0.00265; 1000 Genomes Project 0.00280; ESP Exome Variant Server 0.00343; ExAC 0.00602; gnomAD 0.00613 and 0.00630; gnomAD exomes 0.00628 and 0.00784; TOPMed 0.00657.

Submissions (9):

Women's Health and Genetics/Laboratory Corporation of America, LabCorp
Classification: Benign. Last evaluated: 2026-02-05. Review status: criteria provided, single submitter. Criteria: LabCorp Variant Classification Summary - May 2015. Collection method: clinical testing. Allele origin: germline.
Comment: Variant summary: CEBPE c.511-15T>G alters a non-conserved nucleotide located at a position not widely known to affect splicing. Several computational tools predict a significant impact on normal splicing: Three predict the variant weakens a 3' acceptor site and one predicts the variant has no significant impact on splicing. However, these predictions have yet to be confirmed by functional studies. The variant allele was found at a frequency of 0.0063 in 224568 control chromosomes, predominantly at a frequency of 0.0085 within the Latino subpopulation in the gnomAD database, including 1 homozygote. The observed variant frequency within Latino control individuals in the gnomAD database exceeds the estimated maximal expected allele frequency for disease-causing variants in CEBPE. To our knowledge, no occurrence of c.511-15T>G in individuals affected with CEBPE-related conditions and no experimental evidence demonstrating its impact on protein function have been reported. ClinVar contains an entry for this variant (Variation ID: 1166761). Based on the evidence outlined above, the variant was classified as benign.

Labcorp Genetics (formerly Invitae), Labcorp
Classification: Benign for Specific granule deficiency. Last evaluated: 2026-02-02. Review status: criteria provided, single submitter. Criteria: Invitae Variant Classification Sherloc (09022015). Collection method: clinical testing. Allele origin: germline.

Breakthrough Genomics
Classification: Benign. Review status: criteria provided, single submitter. Criteria: ACMG Guidelines, 2015. Collection method: not provided. Allele origin: germline. Inheritance: Autosomal recessive inheritance. Affected: yes.

Dr. Peter K. Rogan Lab, Western University
No classification provided (evidence only). Condition: Acute myeloid leukemia. Review status: no classification provided. Collection method: in vitro. Allele origin: not applicable. Functional consequence: retained intron. Not counted in ClinVar's aggregate classification.

Dr. Peter K. Rogan Lab, Western University
No classification provided (evidence only). Condition: Sarcoma. Review status: no classification provided. Collection method: in vitro. Allele origin: not applicable. Functional consequence: retained intron. Not counted in ClinVar's aggregate classification.

Dr. Peter K. Rogan Lab, Western University
No classification provided (evidence only). Condition: Gastric cancer. Review status: no classification provided. Collection method: in vitro. Allele origin: not applicable. Functional consequence: retained intron. Not counted in ClinVar's aggregate classification.

Dr. Peter K. Rogan Lab, Western University
No classification provided (evidence only). Condition: Gastric cancer. Review status: no classification provided. Collection method: in vitro. Allele origin: not applicable. Functional consequence: retained intron. Not counted in ClinVar's aggregate classification.

Dr. Peter K. Rogan Lab, Western University
No classification provided (evidence only). Condition: Uterine carcinosarcoma. Review status: no classification provided. Collection method: in vitro. Allele origin: not applicable. Functional consequence: retained intron. Not counted in ClinVar's aggregate classification.

Dr. Peter K. Rogan Lab, Western University
No classification provided (evidence only). Condition: Malignant tumor of esophagus. Review status: no classification provided. Collection method: in vitro. Allele origin: not applicable. Functional consequence: retained intron. Not counted in ClinVar's aggregate classification.

NM_001805.4(CEBPE):c.511-15T>G

Gene: CEBPE (CCAAT enhancer binding protein epsilon; minus strand). Cytogenetic location: 14q11.2.
Variant type: single nucleotide variant.
Coding change: c.511-15T>G on transcript NM_001805.4 (MANE Select); 15 bases into the intron before coding-DNA position 511, T replaced by G.
Molecular consequence: intron variant.
Genome position (GRCh38, 1-based): chr14:23,117,837, A>C on the plus strand (T>G on the coding strand, the complement: CEBPE is on the minus strand). VCF-style: chr14-23117837-A-C. GRCh37 (hg19) VCF-style: chr14-23587046-A-C.
Identifiers: ClinVar variation 1166761 (VCV001166761.12), dbSNP rs147453535, ClinGen allele CA7111170.